The following is an entry in ClinVar:

NM_007315.4(STAT1):c.605T>C (p.Met202Thr)

Gene: STAT1 (signal transducer and activator of transcription 1; minus strand). Cytogenetic location: 2q32.2.
Variant type: single nucleotide variant.
Coding change: c.605T>C on transcript NM_007315.4 (MANE Select); coding-DNA position 605, T replaced by C.
Protein change: p.Met202Thr; replaces methionine 202 with threonine.
Molecular consequence: missense variant. On other transcripts: intron variant (1).
Genome position (GRCh38, 1-based): chr2:190,998,245, A>G on the plus strand (T>C on the coding strand, the complement: STAT1 is on the minus strand). VCF-style: chr2-190998245-A-G. GRCh37 (hg19) VCF-style: chr2-191862971-A-G.
Other names: c.605T>C, p.Met202Thr (NM_139266.3, NM_001384880.1, NM_001384882.1 and 6 more transcripts); c.535-238T>C (NM_001384883.1); c.611T>C, p.Met204Thr (NM_001384881.1, NM_001384884.1); c.515T>C, p.Met172Thr (NM_001384890.1); c.641T>C, p.Met214Thr (NM_001384891.1); short protein forms M202T, M172T, M204T, M214T.
Identifiers: ClinVar variation 4783606 (VCV004783606.2).
Genomic context (GRCh38, chr2:190,998,245, plus strand): 5'-GTGGCATGCTATTCTGGAAAGTAAATAACTACCTTTCTCTTATTGTCAAGCATTAAATAC[A>G]TCTTCTTGAGTAACAGCTGTTCTTGTTTCTGATCACTCTTTGCCACACCATTGGTCTCGT-3'
Protein context (NP_009330.1, residues 192-212): QKQEQLLLKK[Met202Thr]YLMLDNKRKE

ClinVar aggregate classification (germline): Conflicting classifications of pathogenicity. Review status: criteria provided, conflicting classifications (1 of 4 stars). 2 submissions from 2 submitters: Likely pathogenic (1); Uncertain significance (1). Last evaluated 2026-03-10.

Conditions:
Mendelian susceptibility to mycobacterial diseases due to partial STAT1 deficiency. Also called: Immunodeficiency 31a; IMMUNODEFICIENCY 31A, MYCOBACTERIOSIS, AUTOSOMAL DOMINANT; STAT1 DEFICIENCY, AUTOSOMAL DOMINANT. Identifiers: Orphanet 319595, MedGen C4013950, MONDO:0013956, OMIM 614892.
Immunodeficiency 31B. Also called: STAT1 DEFICIENCY, AUTOSOMAL RECESSIVE; IMMUNODEFICIENCY 31B, MYCOBACTERIAL AND VIRAL INFECTIONS, AUTOSOMAL RECESSIVE. Identifiers: Orphanet 391311, MedGen C3151088, MONDO:0013427, OMIM 613796.
Autoimmune enteropathy and endocrinopathy - susceptibility to chronic infections syndrome. Also called: Immunodeficiency 31C; Immunodeficiency 31C, autosomal dominant. Identifiers: Orphanet 391487, MedGen C3279990, MONDO:0013599, OMIM 614162.

Submissions (2):

GeneDx
Classification: Likely pathogenic. Last evaluated: 2026-03-10. Review status: criteria provided, single submitter. Criteria: GeneDx Variant Classification Process June 2021. Collection method: clinical testing. Allele origin: germline.
Comment: Not observed at significant frequency in large population cohorts (gnomAD); In silico analysis suggests that this missense variant does not alter protein structure/function; This variant is associated with the following publications: (PMID: 24343863, 26604104, 23245795, 21727188, 27114460, 27808400)

Labcorp Genetics (formerly Invitae), Labcorp
Classification: Uncertain significance for Mendelian susceptibility to mycobacterial diseases due to partial STAT1 deficiency; Immunodeficiency 31B; Autoimmune enteropathy and endocrinopathy - susceptibility to chronic infections syndrome. Last evaluated: 2025-12-24. Review status: criteria provided, single submitter. Criteria: Invitae Variant Classification Sherloc (09022015). Collection method: clinical testing. Allele origin: germline.
Comment: This sequence change replaces methionine, which is neutral and non-polar, with threonine, which is neutral and polar, at codon 202 of the STAT1 protein (p.Met202Thr). This variant is not present in population databases (gnomAD no frequency). This missense change has been observed in individual(s) with a personal or family history of chronic mucocutaneous candidiasis (PMID: 27114460, 27808400). An algorithm developed to predict the effect of missense changes on protein structure and function (PolyPhen-2) suggests that this variant is likely to be disruptive. This variant disrupts the p.Met202 amino acid residue in STAT1. Other variant(s) that disrupt this residue have been determined to be pathogenic (PMID: 21727188, 23245795, 24343863, 26604104). This suggests that this residue is clinically significant, and that variants that disrupt this residue are likely to be disease-causing. In summary, the available evidence is currently insufficient to determine the role of this variant in disease. Therefore, it has been classified as a Variant of Uncertain Significance.

Literature cited by the submitters: PubMed 27114460 (cited by Labcorp Genetics (formerly Invitae), Labcorp); PubMed 27808400 (cited by Labcorp Genetics (formerly Invitae), Labcorp); PubMed 21727188 (cited by Labcorp Genetics (formerly Invitae), Labcorp); PubMed 23245795 (cited by Labcorp Genetics (formerly Invitae), Labcorp); PubMed 24343863 (cited by Labcorp Genetics (formerly Invitae), Labcorp); PubMed 26604104 (cited by Labcorp Genetics (formerly Invitae), Labcorp).